The following is an entry in ClinVar:

NM_000601.6(HGF):c.1041-12T>C

Gene: HGF (hepatocyte growth factor; minus strand). Cytogenetic location: 7q21.11.
Variant type: single nucleotide variant.
Coding change: c.1041-12T>C on transcript NM_000601.6 (MANE Select); 12 bases into the intron before coding-DNA position 1041, T replaced by C.
Molecular consequence: intron variant.
Genome position (GRCh38, 1-based): chr7:81,726,029, A>G on the plus strand (T>C on the coding strand, the complement: HGF is on the minus strand). VCF-style: chr7-81726029-A-G. GRCh37 (hg19) VCF-style: chr7-81355345-A-G.
Other names: c.1026-12T>C (NM_001010932.3).
Identifiers: ClinVar variation 179875 (VCV000179875.7), dbSNP rs546227025, ClinGen allele CA185324.
Genomic context (GRCh38, chr7:81,726,029, plus strand): 5'-GGGTGATTCAGACCCATCTGGATTTCGGCAGTAATTTTCTCGTAGGTCCCTATTGAGAAT[A>G]AGCATGTTAATGTAAATTGCCGGAGTTCTTACGTTGGTGAAGTCAGCGCTATTACATTTC-3'

ClinVar aggregate classification (germline): Benign/Likely benign. Review status: criteria provided, multiple submitters, no conflicts (2 of 4 stars). 2 submissions from 2 submitters: Benign (1); Likely benign (1). Last evaluated 2025-10-22.

Allele frequency attached by ClinVar (database versions not stated): gnomAD below 0.00001 and 0.00005; TOPMed 0.00002; 1000 Genomes Project 30x 0.00016; ExAC 0.00031; 1000 Genomes Project 0.00020.
gnomAD v4.1: 242 of 1,613,774 alleles (0.015%); highest among the groups gnomAD compares: South Asian, 0.25%; no homozygotes.

Submissions (2):

Labcorp Genetics (formerly Invitae), Labcorp
Classification: Benign. Last evaluated: 2025-10-22. Review status: criteria provided, single submitter. Criteria: Invitae Variant Classification Sherloc (09022015). Collection method: clinical testing. Allele origin: germline.

Laboratory for Molecular Medicine, Mass General Brigham Personalized Medicine
Classification: Likely benign. Last evaluated: 2014-08-13. Review status: criteria provided, single submitter. Criteria: LMM Criteria. Collection method: clinical testing. Allele origin: germline. Observed: 1 variant allele.
Comment: 1041-12T>C in intron 8 of HGF: This variant is not expected to have clinical sig nificance because a T>C change at this position does not diverge from the splice consensus sequence and is therefore unlikely to impact splicing.